The following is an entry in ClinVar:

NM_002465.4(MYBPC1):c.1577A>G (p.Tyr526Cys)

Gene: MYBPC1 (myosin binding protein C1; plus strand). Cytogenetic location: 12q23.2.
Variant type: single nucleotide variant.
Coding change: c.1577A>G on transcript NM_002465.4 (MANE Select); coding-DNA position 1577, A replaced by G.
Protein change: p.Tyr526Cys; replaces tyrosine 526 with cysteine.
Molecular consequence: missense variant.
Genome position (GRCh38, 1-based): chr12:101,652,728, A>G. VCF-style: chr12-101652728-A-G. GRCh37 (hg19) VCF-style: chr12-102046506-A-G.
Other names: c.1502A>G, p.Tyr501Cys (NM_001254718.3, NM_001254719.3, NM_206820.4 and 1 more transcripts); c.1466A>G, p.Tyr489Cys (NM_001254720.3); c.1445A>G, p.Tyr482Cys (NM_001254721.3, NM_001404676.1, NM_001404678.1); c.1424A>G, p.Tyr475Cys (NM_001254722.3, NM_001404680.1); c.1463A>G, p.Tyr488Cys (NM_001254723.3); c.1577A>G, p.Tyr526Cys (NM_001404675.1, NM_206819.4); c.1367A>G, p.Tyr456Cys (NM_001404677.1, NM_001404679.1, NM_001404681.1); short protein forms Y456C, Y475C, Y482C, Y488C, Y489C, Y501C, Y526C.
Identifiers: ClinVar variation 3377460 (VCV003377460.1).

ClinVar aggregate classification (germline): Uncertain significance (1 of 4 stars; one submission).

Conditions:
MYBPC1-related autosomal recessive non-lethal arthrogryposis multiplex congenita syndrome. Identifiers: Orphanet 498693, MedGen C5680092, MONDO:0044682.

Submission:

Victorian Clinical Genetics Services, Murdoch Childrens Research Institute
Classification: Uncertain significance for MYBPC1-related autosomal recessive non-lethal arthrogryposis multiplex congenita syndrome. Last evaluated: 2020-05-25. Review status: criteria provided, single submitter. Criteria: ACMG Guidelines, 2015. Collection method: clinical testing. Allele origin: germline. Affected: yes.
Comment: Based on the classification scheme VCGS_Germline_v1.1.1, this variant is classified as 3B-VUS. Following criteria are met: 0105 - The mechanism of disease for this gene is not clearly established. (N) 0108 - This gene is known to be associated with both recessive and dominant disease. (N) 0200 - Variant is predicted to result in a missense amino acid change from tyrosine to cysteine (exon 17). (N) 0253 - Variant is hemizygous. Due to an overlapping deletion on the other allele (VCGS 19C105133). (N) 0301 - Variant is absent from gnomAD. (P) 0309 - An alternative amino acid change at the same position has been observed in gnomAD (1 heterozygous, 0 homozygous). (N) 0501 - Missense variant consistently predicted to be damaging by multiple in silico tools or highly conserved with a major amino acid change. (P) 0604 - Variant is not located in an established domain, motif, hotspot or informative constraint region. (N) 0705 - No comparable variants have previous evidence for pathogenicity. (N) 0807 - Variant has not previously been reported in a clinical context. (N) 0905 - No segregation evidence has been identified for this variant. (N) 1007 - No published functional evidence has been identified for this variant. (N) 1208 - Inheritance information for this variant is not currently available. (N) Legend: (P) - Pathogenic, (N) - Neutral, (B) - Benign